The following is an entry in ClinVar:

ClinVar aggregate classification (germline): Likely pathogenic. Review status: criteria provided, multiple submitters, no conflicts (2 of 4 stars). 3 submissions from 3 submitters: Likely pathogenic (2). 1 of the submissions does not count toward it. Last evaluated 2024-05-17.

Conditions:
Spongy degeneration of central nervous system. Also called: ACY2 DEFICIENCY; AMINOACYLASE 2 DEFICIENCY; ASP DEFICIENCY; ASPA DEFICIENCY; ASPARTOACYLASE DEFICIENCY; CANAVAN-VAN BOGAERT-BERTRAND DISEASE. Identifiers: Orphanet 141, MedGen C0206307, MONDO:0010079, OMIM 271900.

Allele frequency attached by ClinVar (database versions not stated): TOPMed below 0.00001; gnomAD exomes below 0.00001.
gnomAD v4.1: 1 of 1,612,990 alleles (0.000062%); highest among the groups gnomAD compares: Non-Finnish European, 0.000085%; no homozygotes.

Submissions (3):

Fulgent Genetics
Classification: Likely pathogenic for Spongy degeneration of central nervous system. Last evaluated: 2024-05-17. Review status: criteria provided, single submitter. Criteria: ACMG Guidelines, 2015. Collection method: clinical testing. Allele origin: germline.

Labcorp Genetics (formerly Invitae), Labcorp
Classification: Likely pathogenic for Spongy degeneration of central nervous system. Last evaluated: 2019-05-04. Review status: criteria provided, single submitter. Criteria: Invitae Variant Classification Sherloc (09022015). Collection method: clinical testing. Allele origin: germline.
Comment: This sequence change affects a donor splice site in intron 1 of the ASPA gene. It is expected to disrupt RNA splicing and likely results in an absent or disrupted protein product. This variant is not present in population databases (ExAC no frequency). This variant has not been reported in the literature in individuals with ASPA-related conditions. Algorithms developed to predict the effect of sequence changes on RNA splicing suggest that this variant may disrupt the consensus splice site, but this prediction has not been confirmed by published transcriptional studies. Donor and acceptor splice site variants typically lead to a loss of protein function (PMID: 16199547), and loss-of-function variants in ASPA are known to be pathogenic (PMID: 12638939). In summary, the currently available evidence indicates that the variant is pathogenic, but additional data are needed to prove that conclusively. Therefore, this variant has been classified as Likely Pathogenic.

Natera, Inc.
Classification: Likely pathogenic for Canavan disease. Last evaluated: 2020-09-16. Review status: no assertion criteria provided. Collection method: clinical testing. Allele origin: germline. Not counted in ClinVar's aggregate classification.

Literature cited by the submitters: PubMed 16199547 (cited by Labcorp Genetics (formerly Invitae), Labcorp); PubMed 12638939 (cited by Labcorp Genetics (formerly Invitae), Labcorp).

NM_000049.4(ASPA):c.236+2T>C

Genes: ASPA (aspartoacylase; plus strand), SPATA22 (spermatogenesis associated 22; minus strand). Cytogenetic location: 17p13.2.
Variant type: single nucleotide variant.
Coding change: c.236+2T>C on transcript NM_000049.4 (MANE Select); the canonical splice donor site of the intron after coding-DNA position 236, T replaced by C.
Molecular consequence: splice donor variant. On other transcripts: intron variant (2).
Genome position (GRCh38, 1-based): chr17:3,476,397, T>C. VCF-style: chr17-3476397-T-C. GRCh37 (hg19) VCF-style: chr17-3379691-T-C.
Other names: c.-73-6999A>G (NM_001321336.2, NM_001321337.2); c.236+2T>C (NM_001128085.1).
Identifiers: ClinVar variation 843972 (VCV000843972.10), dbSNP rs1567608718, ClinGen allele CA397681683.